The following is an entry in ClinVar:

NM_212482.4(FN1):c.6128G>A (p.Arg2043His)

Gene: FN1 (fibronectin 1; minus strand). Cytogenetic location: 2q35.
Variant type: single nucleotide variant.
Coding change: c.6128G>A on transcript NM_212482.4 (MANE Select); coding-DNA position 6128, G replaced by A.
Protein change: p.Arg2043His; replaces arginine 2043 with histidine.
Molecular consequence: missense variant.
Genome position (GRCh38, 1-based): chr2:215,375,243, C>T on the plus strand (G>A on the coding strand, the complement: FN1 is on the minus strand). VCF-style: chr2-215375243-C-T. GRCh37 (hg19) VCF-style: chr2-216239966-C-T.
Other names: c.6128G>A, p.Arg2043His (NM_001306129.2); c.5858G>A, p.Arg1953His (NM_001306130.2, NM_001365517.2, NM_001365519.2 and 2 more transcripts); c.5585G>A, p.Arg1862His (NM_001306131.2, NM_001306132.2, NM_001365523.2 and 2 more transcripts); c.5855G>A, p.Arg1952His (NM_001365518.2, NM_001365520.2, NM_001365524.2 and 2 more transcripts); short protein forms R1862H, R1952H, R1953H, R2043H.
Identifiers: ClinVar variation 2419233 (VCV002419233.6), dbSNP rs770932448, ClinGen allele CA2093942.

ClinVar aggregate classification (germline): Uncertain significance (1 of 4 stars; one submission).

Allele frequency attached by ClinVar (database versions not stated): gnomAD 0.00001; ExAC 0.00002; gnomAD exomes 0.00002; TOPMed 0.00004.
gnomAD v4.1: 37 of 1,613,922 alleles (0.0023%); highest among the groups gnomAD compares: African/African-American, 0.004%; no homozygotes.

Submission:

Labcorp Genetics (formerly Invitae), Labcorp
Classification: Uncertain significance. Last evaluated: 2025-02-11. Review status: criteria provided, single submitter. Criteria: Invitae Variant Classification Sherloc (09022015). Collection method: clinical testing. Allele origin: germline.
Comment: This sequence change replaces arginine, which is basic and polar, with histidine, which is basic and polar, at codon 2043 of the FN1 protein (p.Arg2043His). This variant is present in population databases (rs770932448, gnomAD 0.006%). This variant has not been reported in the literature in individuals affected with FN1-related conditions. ClinVar contains an entry for this variant (Variation ID: 2419233). An algorithm developed to predict the effect of missense changes on protein structure and function (PolyPhen-2) suggests that this variant is likely to be tolerated. In summary, the available evidence is currently insufficient to determine the role of this variant in disease. Therefore, it has been classified as a Variant of Uncertain Significance.